The following is an entry in ClinVar:

NM_001374353.1(GLI2):c.3116C>G (p.Pro1039Arg)

Gene: GLI2 (GLI family zinc finger 2; plus strand). Cytogenetic location: 2q14.2.
Variant type: single nucleotide variant.
Coding change: c.3116C>G on transcript NM_001374353.1 (MANE Select); coding-DNA position 3116, C replaced by G.
Protein change: p.Pro1039Arg; replaces proline 1039 with arginine.
Molecular consequence: missense variant.
Genome position (GRCh38, 1-based): chr2:120,989,081, C>G. VCF-style: chr2-120989081-C-G. GRCh37 (hg19) VCF-style: chr2-121746657-C-G.
Other names: c.3167C>G, p.Pro1056Arg (NM_001371271.1, NM_005270.5); c.2741C>G, p.Pro914Arg (NM_001374354.1); short protein forms P1039R, P1056R, P914R.
Identifiers: ClinVar variation 2507246 (VCV002507246.1), dbSNP rs761549286, ClinGen allele CA348172502.

ClinVar aggregate classification (germline): Uncertain significance (1 of 4 stars; one submission).

gnomAD v4.1: 3 of 1,611,822 alleles (0.00019%); highest among the groups gnomAD compares: South Asian, 0.0022%; no homozygotes.

Submission:

GeneDx
Classification: Uncertain significance. Last evaluated: 2022-12-27. Review status: criteria provided, single submitter. Criteria: GeneDx Variant Classification Process June 2021. Collection method: clinical testing. Allele origin: germline. Affected: yes.
Comment: In silico analysis supports that this missense variant does not alter protein structure/function; Has not been previously published as pathogenic or benign to our knowledge